The following is an entry in ClinVar:

ClinVar aggregate classification (germline): Uncertain significance (1 of 4 stars; one submission).

Allele frequency attached by ClinVar (database versions not stated): TOPMed below 0.00001; gnomAD exomes 0.00002; ExAC 0.00009.
gnomAD v4.1: 21 of 1,531,012 alleles (0.0014%); highest among the groups gnomAD compares: Middle Eastern, 0.019%; no homozygotes.

Submission:

Labcorp Genetics (formerly Invitae), Labcorp
Classification: Uncertain significance. Last evaluated: 2022-02-05. Review status: criteria provided, single submitter. Criteria: Invitae Variant Classification Sherloc (09022015). Collection method: clinical testing. Allele origin: germline.
Comment: In summary, the available evidence is currently insufficient to determine the role of this variant in disease. Therefore, it has been classified as a Variant of Uncertain Significance. Algorithms developed to predict the effect of missense changes on protein structure and function are either unavailable or do not agree on the potential impact of this missense change (SIFT: "Deleterious"; PolyPhen-2: "Not Available"; Align-GVGD: "Class C0"). This variant has not been reported in the literature in individuals affected with SIX5-related conditions. This variant is present in population databases (rs767172612, gnomAD 0.02%). This sequence change replaces proline, which is neutral and non-polar, with leucine, which is neutral and non-polar, at codon 5 of the SIX5 protein (p.Pro5Leu).

NM_175875.5(SIX5):c.14C>T (p.Pro5Leu)

Genes: SIX5 (SIX homeobox 5; minus strand), DM1-AS (DM1 locus antisense RNA; plus strand), LOC107075317 (origin of replication in DMPK trinucleotide repeat region; plus strand). Cytogenetic location: 19q13.32.
Variant type: single nucleotide variant.
Coding change: c.14C>T on transcript NM_175875.5 (MANE Select); coding-DNA position 14, C replaced by T.
Protein change: p.Pro5Leu; replaces proline 5 with leucine.
Molecular consequence: missense variant.
Genome position (GRCh38, 1-based): chr19:45,768,831, G>A on the plus strand (C>T on the coding strand, the complement: SIX5 is on the minus strand). VCF-style: chr19-45768831-G-A. GRCh37 (hg19) VCF-style: chr19-46272089-G-A.
Other names: short protein forms P5L.
Identifiers: ClinVar variation 1948639 (VCV001948639.5), dbSNP rs767172612, ClinGen allele CA9520877.
Genomic context (GRCh38, chr19:45,768,831, plus strand): 5'-GTCGCCGCCGCCGCCGCCACCGCCTCCCCCCCAGCCGCCGGCCCCGCGCTCGGCTCCGCA[G>A]GCAAGGTAGCCATGTTTTGCAACTTTGGGAAGTTCCTCCCTCCCTCTCTTCCTCCCTCGG-3'
Protein context (NP_787071.3, residues 1-15): MATL[Pro5Leu]AEPSAGPAAG